The following is an entry in ClinVar:

ClinVar aggregate classification (germline): Uncertain significance. Review status: criteria provided, multiple submitters, no conflicts (2 of 4 stars). 4 submissions from 4 submitters: Uncertain significance (4). Last evaluated 2025-02-06.

Conditions:
Cardiovascular phenotype. Identifiers: MedGen CN230736.
Hypertrophic cardiomyopathy 14. Identifiers: MedGen C2750467, MONDO:0013197, OMIM 613251.

Allele frequency attached by ClinVar (database versions not stated): ExAC 0.00001; gnomAD exomes 0.00001 and 0.00002.
gnomAD v4.1: 10 of 1,612,322 alleles (0.00062%); highest among the groups gnomAD compares: East Asian, 0.022%; no homozygotes.

Submissions (4):

Ambry Genetics
Classification: Uncertain significance for Cardiovascular phenotype. Last evaluated: 2025-02-06. Review status: criteria provided, single submitter. Criteria: Ambry Variant Classification Scheme 2023. Collection method: clinical testing. Allele origin: germline.
Comment: The p.R1449G variant (also known as c.4345A>G), located in coding exon 28 of the MYH6 gene, results from an A to G substitution at nucleotide position 4345. The arginine at codon 1449 is replaced by glycine, an amino acid with dissimilar properties. This amino acid position is conserved. In addition, the in silico prediction for this alteration is inconclusive. Based on the available evidence, the clinical significance of this variant remains unclear.

Labcorp Genetics (formerly Invitae), Labcorp
Classification: Uncertain significance for Hypertrophic cardiomyopathy 14. Last evaluated: 2022-04-10. Review status: criteria provided, single submitter. Criteria: Invitae Variant Classification Sherloc (09022015). Collection method: clinical testing. Allele origin: germline.
Comment: This variant is present in population databases (rs766943407, gnomAD 0.01%). In summary, the available evidence is currently insufficient to determine the role of this variant in disease. Therefore, it has been classified as a Variant of Uncertain Significance. Algorithms developed to predict the effect of missense changes on protein structure and function are either unavailable or do not agree on the potential impact of this missense change (SIFT: "Tolerated"; PolyPhen-2: "Probably Damaging"; Align-GVGD: "Class C0"). ClinVar contains an entry for this variant (Variation ID: 1302497). This variant has not been reported in the literature in individuals affected with MYH6-related conditions. This sequence change replaces arginine, which is basic and polar, with glycine, which is neutral and non-polar, at codon 1449 of the MYH6 protein (p.Arg1449Gly).

AiLife Diagnostics
Classification: Uncertain significance. Last evaluated: 2021-11-05. Review status: criteria provided, single submitter. Criteria: ACMG Guidelines, 2015. Collection method: clinical testing. Allele origin: germline. Affected: yes. Observed: 1 variant allele.

GeneDx
Classification: Uncertain significance. Last evaluated: 2019-05-24. Review status: criteria provided, single submitter. Criteria: GeneDx Variant Classification Process June 2021. Collection method: clinical testing. Allele origin: germline. Affected: yes.
Comment: Not observed at a significant frequency in large population cohorts (Lek et al., 2016); In silico analysis, which includes protein predictors and evolutionary conservation, supports a deleterious effect; Has not been previously published as pathogenic or benign to our knowledge

NM_002471.4(MYH6):c.4345A>G (p.Arg1449Gly)

Gene: MYH6 (myosin heavy chain 6; minus strand). Cytogenetic location: 14q11.2.
Variant type: single nucleotide variant.
Coding change: c.4345A>G on transcript NM_002471.4 (MANE Select); coding-DNA position 4345, A replaced by G.
Protein change: p.Arg1449Gly; replaces arginine 1449 with glycine.
Molecular consequence: missense variant.
Genome position (GRCh38, 1-based): chr14:23,388,169, T>C on the plus strand (A>G on the coding strand, the complement: MYH6 is on the minus strand). VCF-style: chr14-23388169-T-C. GRCh37 (hg19) VCF-style: chr14-23857378-T-C.
Other names: short protein forms R1449G.
Identifiers: ClinVar variation 1302497 (VCV001302497.8), dbSNP rs766943407, ClinGen allele CA7114818.